The following is an entry in ClinVar:

NM_015100.4(POGZ):c.462del (p.Pro156fs)

Gene: POGZ (pogo transposable element derived with ZNF domain; minus strand). Cytogenetic location: 1q21.3.
Variant type: Deletion.
Coding change: c.462del on transcript NM_015100.4 (MANE Select); coding-DNA position 462, one base deleted (A; older notation c.462delA).
Protein change: p.Pro156fs; shifts the reading frame from proline 156.
Molecular consequence: frameshift variant. On other transcripts: intron variant (1).
Genome position (GRCh38, 1-based): chr1:151,429,709, T deleted on the plus strand (A on the coding strand, the reverse complement: POGZ is on the minus strand). VCF-style (leftmost placement, unchanged base first): chr1-151429708-AT-A. GRCh37 (hg19) VCF-style: chr1-151402184-AT-A.
Other names: c.462del, p.Pro156fs (NM_001194937.2); c.303del, p.Pro103fs (NM_001194938.2, NM_207171.2); c.483del, p.Pro163fs (NM_001410860.1); c.284-1296del (NM_145796.4); short protein forms P103fs, P156fs, P163fs.
Identifiers: ClinVar variation 4730335 (VCV004730335.1).

ClinVar aggregate classification (germline): Pathogenic (1 of 4 stars; one submission).

Submission:

Labcorp Genetics (formerly Invitae), Labcorp
Classification: Pathogenic. Last evaluated: 2025-11-02. Review status: criteria provided, single submitter. Criteria: Invitae Variant Classification Sherloc (09022015). Collection method: clinical testing. Allele origin: germline.
Comment: This sequence change creates a premature translational stop signal (p.Pro156Leufs*2) in the POGZ gene. It is expected to result in an absent or disrupted protein product. Loss-of-function variants in POGZ are known to be pathogenic (PMID: 26739615, 26942287). This variant is not present in population databases (gnomAD no frequency). This variant has not been reported in the literature in individuals affected with POGZ-related conditions. For these reasons, this variant has been classified as Pathogenic.

Literature cited by the submitters: PubMed 26739615; PubMed 26942287.